The following is an entry in ClinVar:

ClinVar aggregate classification (germline): Likely benign. Review status: criteria provided, multiple submitters, no conflicts (2 of 4 stars). 4 submissions from 4 submitters: Likely benign (3). 1 of the submissions does not count toward it. Last evaluated 2024-04-08.

Conditions:
Pendred syndrome (PDS). Also called: Pendred's syndrome; DEAFNESS WITH GOITER; GOITER-DEAFNESS SYNDROME; HYPOTHYROIDISM, CONGENITAL, DUE TO DYSHORMONOGENESIS, 2B; THYROID DYSHORMONOGENESIS 2B; THYROID HORMONOGENESIS, GENETIC DEFECT IN, 2B. Identifiers: Orphanet 705, MedGen C0271829, MONDO:0010134, OMIM 274600.

Allele frequency attached by ClinVar (database versions not stated): gnomAD exomes below 0.00001; gnomAD 0.00001; TOPMed 0.00001.
gnomAD v4.1: 8 of 1,612,952 alleles (0.0005%); highest among the groups gnomAD compares: Non-Finnish European, 0.00068%; no homozygotes.

Submissions (4):

Blueprint Genetics
Classification: Likely benign. Last evaluated: 2024-04-08. Review status: criteria provided, single submitter. Criteria: ACMG Guidelines, 2015. Collection method: clinical testing. Allele origin: germline.

Labcorp Genetics (formerly Invitae), Labcorp
Classification: Likely benign. Last evaluated: 2023-11-15. Review status: criteria provided, single submitter. Criteria: Invitae Variant Classification Sherloc (09022015). Collection method: clinical testing. Allele origin: germline.

Laboratory for Molecular Medicine, Mass General Brigham Personalized Medicine
Classification: Likely benign. Last evaluated: 2013-09-08. Review status: criteria provided, single submitter. Criteria: LMM Criteria. Collection method: clinical testing. Allele origin: germline. Observed: 1 variant allele.
Comment: 2320-4A>C in Intron 20 of SLC26A4: This variant is not expected to have clinical significance because it is not located within the splice consensus sequence and computational splice tools do not predict altered splicing.

Counsyl
Classification: Uncertain significance for Pendred syndrome. Last evaluated: 2017-12-29. Review status: no assertion criteria provided. Collection method: clinical testing. Allele origin: unknown. Not counted in ClinVar's aggregate classification.

NM_000441.2(SLC26A4):c.2320-4A>C

Gene: SLC26A4 (solute carrier family 26 member 4; plus strand). Cytogenetic location: 7q22.3.
Variant type: single nucleotide variant.
Coding change: c.2320-4A>C on transcript NM_000441.2 (MANE Select); 4 bases into the intron before coding-DNA position 2320, A replaced by C.
Molecular consequence: intron variant.
Genome position (GRCh38, 1-based): chr7:107,715,419, A>C. VCF-style: chr7-107715419-A-C. GRCh37 (hg19) VCF-style: chr7-107355864-A-C.
Identifiers: ClinVar variation 165267 (VCV000165267.11), dbSNP rs727503432, ClinGen allele CA178002.